The following is an entry in ClinVar:

ClinVar aggregate classification (germline): Uncertain significance (1 of 4 stars; one submission).

Conditions:
Arrhythmogenic right ventricular dysplasia 13. Also called: Arrhythmogenic right ventricular dysplasia, familial, 13; ARRHYTHMOGENIC RIGHT VENTRICULAR CARDIOMYOPATHY 13. Identifiers: MedGen C3810138, MONDO:0000908, OMIM 615616.

Submission:

Labcorp Genetics (formerly Invitae), Labcorp
Classification: Uncertain significance for Arrhythmogenic right ventricular dysplasia 13. Last evaluated: 2023-10-13. Review status: criteria provided, single submitter. Criteria: Invitae Variant Classification Sherloc (09022015). Collection method: clinical testing. Allele origin: germline.
Comment: This variant is a gross deletion of the genomic region encompassing exon(s) 8-11 of the CTNNA3 gene. This deletion is out-of-frame, and is expected to create a premature translational stop signal and result in an absent or disrupted protein product. However, the current clinical and genetic evidence is not sufficient to establish whether loss-of-function variants in CTNNA3 cause disease. This variant has not been reported in the literature in individuals affected with CTNNA3-related conditions. In summary, the available evidence is currently insufficient to determine the role of this variant in disease. Therefore, it has been classified as a Variant of Uncertain Significance.

NC_000010.10:g.(?_68280355)_(68535302_?)del

Gene: CTNNA3 (catenin alpha 3; minus strand). Cytogenetic location: 10q21.3.
Variant type: Deletion.
Identifiers: ClinVar variation 1375562 (VCV001375562.5).